The following is an entry in ClinVar:

NM_032043.3(BRIP1):c.1676C>T (p.Thr559Ile)

Gene: BRIP1 (BRCA1 interacting DNA helicase 1; minus strand). Cytogenetic location: 17q23.2.
Variant type: single nucleotide variant.
Coding change: c.1676C>T on transcript NM_032043.3 (MANE Select); coding-DNA position 1676, C replaced by T.
Protein change: p.Thr559Ile; replaces threonine 559 with isoleucine.
Molecular consequence: missense variant.
Genome position (GRCh38, 1-based): chr17:61,780,958, G>A on the plus strand (C>T on the coding strand, the complement: BRIP1 is on the minus strand). VCF-style: chr17-61780958-G-A. GRCh37 (hg19) VCF-style: chr17-59858319-G-A.
Other names: short protein forms T559I.
Identifiers: ClinVar variation 919104 (VCV000919104.4), dbSNP rs876658266, ClinGen allele CA400480488.

ClinVar aggregate classification (germline): Uncertain significance. Review status: criteria provided, multiple submitters, no conflicts (2 of 4 stars). 2 submissions from 2 submitters: Uncertain significance (2). Last evaluated 2023-06-29.

Conditions:
Hereditary cancer-predisposing syndrome. Also called: Neoplastic Syndromes, Hereditary; Tumor predisposition; Hereditary Cancer Syndrome; Hereditary neoplastic syndrome. Identifiers: Orphanet 140162, MedGen C0027672, MeSH D009386, MONDO:0015356.
Familial cancer of breast. Also called: BREAST CANCER, FAMILIAL; Hereditary breast cancer; hereditary breast carcinoma. Identifiers: Orphanet 227535, MedGen C0346153, MONDO:0016419, OMIM 114480. Disease mechanism: loss of function.

Submissions (2):

Baylor Genetics
Classification: Uncertain significance for Familial cancer of breast. Last evaluated: 2023-06-29. Review status: criteria provided, single submitter. Criteria: ACMG Guidelines, 2015. Collection method: clinical testing. Allele origin: unknown.

Color Diagnostics, LLC DBA Color Health
Classification: Uncertain significance for Hereditary cancer-predisposing syndrome. Last evaluated: 2020-03-06. Review status: criteria provided, single submitter. Criteria: ACMG Guidelines, 2015. Collection method: clinical testing. Allele origin: germline.
Comment: This missense variant replaces threonine with isoleucine at codon 559 of the BRIP1 protein. Computational prediction suggests that this variant may not impact protein structure and function (internally defined REVEL score threshold <= 0.5, PMID: 27666373). Splice site prediction tools suggest that this variant may not impact RNA splicing. To our knowledge, functional studies have not been reported for this variant. This variant has not been reported in individuals affected with hereditary cancer in the literature. This variant has not been identified in the general population by the Genome Aggregation Database (gnomAD). The available evidence is insufficient to determine the role of this variant in disease conclusively. Therefore, this variant is classified as a Variant of Uncertain Significance.